The following is an entry in ClinVar:

ClinVar aggregate classification (germline): Uncertain significance (1 of 4 stars; one submission).

Conditions:
Catecholaminergic polymorphic ventricular tachycardia 1. Also called: VENTRICULAR TACHYCARDIA, CATECHOLAMINERGIC POLYMORPHIC, 1, WITH OR WITHOUT ATRIAL DYSFUNCTION AND/OR DILATED CARDIOMYOPATHY; VENTRICULAR TACHYCARDIA, STRESS-INDUCED POLYMORPHIC 1; RYR2-Related Catecholaminergic Polymorphic Ventricular Tachycardia. Identifiers: Orphanet 3286, MedGen C1631597, MONDO:0011484, OMIM 604772.

Submission:

Labcorp Genetics (formerly Invitae), Labcorp
Classification: Uncertain significance for Catecholaminergic polymorphic ventricular tachycardia 1. Last evaluated: 2024-12-17. Review status: criteria provided, single submitter. Criteria: Invitae Variant Classification Sherloc (09022015). Collection method: clinical testing. Allele origin: germline.
Comment: This variant, c.1565_1567del, results in the deletion of 1 amino acid(s) of the RYR2 protein (p.Ala522del), but otherwise preserves the integrity of the reading frame. This variant is not present in population databases (gnomAD no frequency). This variant has been observed in individual(s) with clinical features of RYR2-related conditions (internal data). ClinVar contains an entry for this variant (Variation ID: 848946). Experimental studies and prediction algorithms are not available or were not evaluated, and the functional significance of this variant is currently unknown. In summary, the available evidence is currently insufficient to determine the role of this variant in disease. Therefore, it has been classified as a Variant of Uncertain Significance.

NM_001035.3(RYR2):c.1565_1567del (p.Ala522del)

Gene: RYR2 (ryanodine receptor 2; plus strand). Cytogenetic location: 1q43.
Variant type: Deletion.
Coding change: c.1565_1567del on transcript NM_001035.3 (MANE Select); coding-DNA positions 1565 to 1567, 3 bases deleted (CAG; older notation c.1565_1567delCAG).
Protein change: p.Ala522del; deletes alanine 522.
Molecular consequence: inframe deletion.
Genome position (GRCh38, 1-based): chr1:237,456,688-237,456,690, CAG deleted; deleting any 3 consecutive bases within chr1:237,456,686-237,456,690 gives the same sequence; the c. name uses the placement nearest the transcript's 3' end. VCF-style (leftmost placement, unchanged base first): chr1-237456685-AAGC-A. GRCh37 (hg19) VCF-style: chr1-237619985-AAGC-A.
Other names: short protein forms A522del.
Identifiers: ClinVar variation 848946 (VCV000848946.9), dbSNP rs1658864172, ClinGen allele CA916082162.
Genomic context (GRCh38, chr1:237,456,685, plus strand): 5'-GCATAGACCGTTTGCACGTCTACAGCAGTGCAGCACACTTTGCTGATGTTGCTGGGCGAG[AAGC>A]AGGAGAGTCTTGGAAATCCATTCTGAATTCTCTGTATGAGTTGCTGGGTAAGAAGCATGA-3'